The following is an entry in ClinVar:

NM_001379610.1(SPINK1):c.19T>A (p.Phe7Ile)

Gene: SPINK1 (serine peptidase inhibitor Kazal type 1; minus strand). Cytogenetic location: 5q32.
Variant type: single nucleotide variant.
Coding change: c.19T>A on transcript NM_001379610.1 (MANE Select); coding-DNA position 19, T replaced by A.
Protein change: p.Phe7Ile; replaces phenylalanine 7 with isoleucine.
Molecular consequence: missense variant.
Genome position (GRCh38, 1-based): chr5:147,831,559, A>T on the plus strand (T>A on the coding strand, the complement: SPINK1 is on the minus strand). VCF-style: chr5-147831559-A-T. GRCh37 (hg19) VCF-style: chr5-147211122-A-T.
Other names: c.19T>A, p.Phe7Ile (NM_001354966.2, NM_003122.5); short protein forms F7I.
Identifiers: ClinVar variation 1784162 (VCV001784162.3), dbSNP rs899344973, ClinGen allele CA129690370.

ClinVar aggregate classification (germline): Uncertain significance (1 of 4 stars; one submission).

Conditions:
Hereditary pancreatitis (PCTT). Also called: Hereditary chronic pancreatitis; PRSS1-Related Hereditary Pancreatitis. Identifiers: Orphanet 676, MedGen C0238339, MONDO:0008185, OMIM 167800.

Allele frequency attached by ClinVar (database versions not stated): TOPMed below 0.00001.

Submission:

Ambry Genetics
Classification: Uncertain significance for Hereditary pancreatitis. Last evaluated: 2025-11-18. Review status: criteria provided, single submitter. Criteria: Ambry Variant Classification Scheme 2023. Collection method: clinical testing. Allele origin: germline.
Comment: The p.F7I variant (also known as c.19T>A), located in coding exon 1 of the SPINK1 gene, results from a T to A substitution at nucleotide position 19. The phenylalanine at codon 7 is replaced by isoleucine, an amino acid with highly similar properties. This amino acid position is conserved. In addition, this alteration is predicted to be tolerated by in silico analysis. Since supporting evidence is limited at this time, the clinical significance of this alteration remains unclear.